The following is an entry in ClinVar:

ClinVar aggregate classification (germline): Uncertain significance (1 of 4 stars; one submission).

Conditions:
Cardiovascular phenotype. Identifiers: MedGen CN230736.

Submission:

Ambry Genetics
Classification: Uncertain significance for Cardiovascular phenotype. Last evaluated: 2024-06-04. Review status: criteria provided, single submitter. Criteria: Ambry Variant Classification Scheme 2023. Collection method: clinical testing. Allele origin: germline.
Comment: The p.Y88C variant (also known as c.263A>G), located in coding exon 2 of the CYP27A1 gene, results from an A to G substitution at nucleotide position 263. The tyrosine at codon 88 is replaced by cysteine, an amino acid with highly dissimilar properties. This amino acid position is conserved. In addition, this alteration is predicted to be tolerated by in silico analysis. Based on the available evidence, the clinical significance of this variant remains unclear.

NM_000784.4(CYP27A1):c.263A>G (p.Tyr88Cys)

Gene: CYP27A1 (cytochrome P450 family 27 subfamily A member 1; plus strand). Cytogenetic location: 2q35.
Variant type: single nucleotide variant.
Coding change: c.263A>G on transcript NM_000784.4 (MANE Select); coding-DNA position 263, A replaced by G.
Protein change: p.Tyr88Cys; replaces tyrosine 88 with cysteine.
Molecular consequence: missense variant.
Genome position (GRCh38, 1-based): chr2:218,809,584, A>G. VCF-style: chr2-218809584-A-G. GRCh37 (hg19) VCF-style: chr2-219674307-A-G.
Other names: short protein forms Y88C.
Identifiers: ClinVar variation 3270530 (VCV003270530.1).